The following is an entry in ClinVar:

NM_025099.6(CTC1):c.1492G>A (p.Gly498Arg)

Gene: CTC1 (CST telomere replication complex component 1; minus strand). Cytogenetic location: 17p13.1.
Variant type: single nucleotide variant.
Coding change: c.1492G>A on transcript NM_025099.6 (MANE Select); coding-DNA position 1492, G replaced by A.
Protein change: p.Gly498Arg; replaces glycine 498 with arginine.
Molecular consequence: missense variant. On other transcripts: non-coding transcript variant (1).
Genome position (GRCh38, 1-based): chr17:8,234,874, C>T on the plus strand (G>A on the coding strand, the complement: CTC1 is on the minus strand). VCF-style: chr17-8234874-C-T. GRCh37 (hg19) VCF-style: chr17-8138192-C-T.
Other names: c.1492G>A, p.Gly498Arg (NM_001411067.1); short protein forms G498R.
Identifiers: ClinVar variation 4991563 (VCV004991563.1).

ClinVar aggregate classification (germline): Uncertain significance (1 of 4 stars; one submission).

Conditions:
CTC1-related disorder. Also called: CTC1-related condition.

Submission:

PreventionGenetics, part of Exact Sciences
Classification: Uncertain significance for CTC1-related condition. Last evaluated: 2026-07-22. Review status: criteria provided, single submitter. Criteria: ACMG Guidelines, 2015. Collection method: clinical testing. Allele origin: germline.
Comment: The CTC1 c.1492G>A variant is predicted to result in the amino acid substitution p.Gly498Arg. To our knowledge, this variant has not been reported in the literature or in a large population database (gnomAD), indicating this variant is rare. At the time of reporting it was not present in ClinVar. At this time, the clinical significance of this variant is uncertain due to the absence of conclusive functional and genetic evidence.